The following is an entry in ClinVar:

ClinVar aggregate classification (germline): Likely pathogenic (1 of 4 stars; one submission).

Conditions:
Kabuki syndrome. Also called: NIIKAWA-KUROKI SYNDROME; Kabuki make-up syndrome. Identifiers: Orphanet 2322, MedGen C0796004, MONDO:0016512.

gnomAD v4.1: 6 of 1,613,542 alleles (0.00037%); highest among the groups gnomAD compares: Admixed American, 0.0067%; no homozygotes.

Submission:

Labcorp Genetics (formerly Invitae), Labcorp
Classification: Likely pathogenic for Kabuki syndrome. Last evaluated: 2025-12-07. Review status: criteria provided, single submitter. Criteria: Invitae Variant Classification Sherloc (09022015). Collection method: clinical testing. Allele origin: germline.
Comment: This sequence change affects an acceptor splice site in intron 44 of the KMT2D gene. It is expected to disrupt RNA splicing. Variants that disrupt the donor or acceptor splice site typically lead to a loss of protein function (PMID: 16199547), and loss-of-function variants in KMT2D are known to be pathogenic (PMID: 22126750). This variant is present in population databases (rs201687108, gnomAD 0.01%). This variant has not been reported in the literature in individuals affected with KMT2D-related conditions. Algorithms developed to predict the effect of sequence changes on RNA splicing suggest that this variant may disrupt the consensus splice site. In summary, the currently available evidence indicates that the variant is pathogenic, but additional data are needed to prove that conclusively. Therefore, this variant has been classified as Likely Pathogenic.

Literature cited by the submitters: PubMed 16199547; PubMed 22126750.

NM_003482.4(KMT2D):c.14252-2A>G

Gene: KMT2D (lysine methyltransferase 2D; minus strand). Cytogenetic location: 12q13.12.
Variant type: single nucleotide variant.
Coding change: c.14252-2A>G on transcript NM_003482.4 (MANE Select); the canonical splice acceptor site of the intron before coding-DNA position 14252, A replaced by G.
Molecular consequence: splice acceptor variant.
Genome position (GRCh38, 1-based): chr12:49,028,960, T>C on the plus strand (A>G on the coding strand, the complement: KMT2D is on the minus strand). VCF-style: chr12-49028960-T-C. GRCh37 (hg19) VCF-style: chr12-49422743-T-C.
Identifiers: ClinVar variation 4805205 (VCV004805205.1).